The following is an entry in ClinVar:

NM_145059.3(FCSK):c.3154-3C>T

Gene: FCSK (fucose kinase; plus strand). Cytogenetic location: 16q22.1.
Variant type: single nucleotide variant.
Coding change: c.3154-3C>T on transcript NM_145059.3 (MANE Select); 3 bases into the intron before coding-DNA position 3154, C replaced by T.
Molecular consequence: intron variant.
Genome position (GRCh38, 1-based): chr16:70,479,576, C>T. VCF-style: chr16-70479576-C-T. GRCh37 (hg19) VCF-style: chr16-70513479-C-T.
Identifiers: ClinVar variation 2013034 (VCV002013034.4), dbSNP rs1177459307, ClinGen allele CA623577494.

ClinVar aggregate classification (germline): Uncertain significance (1 of 4 stars; one submission).

Allele frequency attached by ClinVar (database versions not stated): TOPMed below 0.00001; gnomAD exomes below 0.00001.
gnomAD v4.1: 2 of 1,613,090 alleles (0.00012%); highest among the groups gnomAD compares: African/African-American, 0.0013%; no homozygotes.

Submission:

Labcorp Genetics (formerly Invitae), Labcorp
Classification: Uncertain significance. Last evaluated: 2022-07-01. Review status: criteria provided, single submitter. Criteria: Invitae Variant Classification Sherloc (09022015). Collection method: clinical testing. Allele origin: germline.
Comment: This sequence change falls in intron 23 of the FUK gene. It does not directly change the encoded amino acid sequence of the FUK protein. It affects a nucleotide within the consensus splice site. This variant is present in population databases (no rsID available, gnomAD 0.007%). This variant has not been reported in the literature in individuals affected with FUK-related conditions. Variants that disrupt the consensus splice site are a relatively common cause of aberrant splicing (PMID: 17576681, 9536098). Algorithms developed to predict the effect of sequence changes on RNA splicing suggest that this variant is not likely to affect RNA splicing. In summary, the available evidence is currently insufficient to determine the role of this variant in disease. Therefore, it has been classified as a Variant of Uncertain Significance.

Literature cited by the submitters: PubMed 17576681; PubMed 9536098.